The following is an entry in ClinVar:

NM_001374736.1(DST):c.17922+3A>G

Gene: DST (dystonin; minus strand). Cytogenetic location: 6p12.1.
Variant type: single nucleotide variant.
Coding change: c.17922+3A>G on transcript NM_001374736.1 (MANE Select); 3 bases into the intron after coding-DNA position 17922, A replaced by G.
Molecular consequence: intron variant.
Genome position (GRCh38, 1-based): chr6:56,527,490, T>C on the plus strand (A>G on the coding strand, the complement: DST is on the minus strand). VCF-style: chr6-56527490-T-C. GRCh37 (hg19) VCF-style: chr6-56392288-T-C.
Other names: c.11031+3A>G (NM_183380.4, NM_001386100.1); c.16962+3A>G (NM_001374729.1); c.10053+3A>G (NM_015548.5); c.11565+3A>G (NM_001144769.5); c.17922+3A>G (NM_001374722.1); c.17949+3A>G (NM_001374734.1); c.11151+3A>G (NM_001144770.2); c.10704+3A>G (NM_001374730.1).
Identifiers: ClinVar variation 1001539 (VCV001001539.4), dbSNP rs370384005, ClinGen allele CA3867342.
Genomic context (GRCh38, chr6:56,527,490, plus strand): 5'-TTGTGTGAATAAGACTGCCTAAAAGATAAAAGACTAATCCAAAATGCAGAAATCAGAGCT[T>C]ACCTTTGGTCTCATTTGTGCTTGACTTGCTTCTTCTCCTTTCAGAACCTGAGTTTCATAT-3'

ClinVar aggregate classification (germline): Uncertain significance (1 of 4 stars; one submission).

Conditions:
Epidermolysis bullosa simplex 3, localized or generalized intermediate, with BP230 deficiency (EBS3). Also called: Epidermolysis bullosa simplex, autosomal recessive 2; Epidermolysis bullosa simplex due to BP230 deficiency. Identifiers: Orphanet 412181, MedGen C3809470, MONDO:0014180, OMIM 615425.
Hereditary sensory and autonomic neuropathy type 6. Also called: HSAN VI; Neuropathy, hereditary sensory and autonomic, type VI. Identifiers: Orphanet 314381, MedGen C3539003, MONDO:0013839, OMIM 614653.

Allele frequency attached by ClinVar (database versions not stated): gnomAD exomes 0.00001 and 0.00003; ExAC 0.00005; gnomAD 0.00007 and 0.00008; TOPMed 0.00012; ESP Exome Variant Server 0.00025.
gnomAD v4.1: 26 of 1,612,508 alleles (0.0016%); highest among the groups gnomAD compares: African/African-American, 0.024%; no homozygotes.

Submission:

Labcorp Genetics (formerly Invitae), Labcorp
Classification: Uncertain significance for Epidermolysis bullosa simplex 3, localized or generalized intermediate, with BP230 deficiency; Hereditary sensory and autonomic neuropathy type 6. Last evaluated: 2022-08-11. Review status: criteria provided, single submitter. Criteria: Invitae Variant Classification Sherloc (09022015). Collection method: clinical testing. Allele origin: germline.
Comment: The DST gene has multiple clinically relevant transcripts. This variant occurs in alternate transcript NM_015548.5, and corresponds to NM_001723.5(DST):c.*88027A>G in the primary transcript. This sequence change falls in intron 49 of the DST gene. It does not directly change the encoded amino acid sequence of the DST protein. It affects a nucleotide within the consensus splice site. This variant is present in population databases (rs370384005, gnomAD 0.03%). This variant has not been reported in the literature in individuals affected with DST-related conditions. Variants that disrupt the consensus splice site are a relatively common cause of aberrant splicing (PMID: 17576681, 9536098). Experimental studies and prediction algorithms are not available or were not evaluated, and the effect of this variant on mRNA splicing is currently unknown. In summary, the available evidence is currently insufficient to determine the role of this variant in disease. Therefore, it has been classified as a Variant of Uncertain Significance.

Literature cited by the submitters: PubMed 17576681; PubMed 9536098.